The following is an entry in ClinVar:

NC_000013.10:g.(32890665_32893213)_(32893463_32899212)del

Gene: BRCA2 (BRCA2 DNA repair associated; plus strand). Cytogenetic location: 13q13.1.
Variant type: Deletion.
Identifiers: ClinVar variation 440445 (VCV000440445.2).

ClinVar aggregate classification (germline): Pathogenic (1 of 4 stars; one submission).

Conditions:
Breast-ovarian cancer, familial, susceptibility to, 2 (BROVCA2). Also called: BRCA2 Hereditary Breast and Ovarian Cancer. Identifiers: Orphanet 145, MedGen C2675520, MONDO:0012933, OMIM 612555. Disease mechanism: loss of function.

Submission:

Department of Medical Genetics, Oslo University Hospital
Classification: Pathogenic for Breast-ovarian cancer, familial, susceptibility to, 2. Last evaluated: 2015-07-01. Review status: criteria provided, single submitter. Criteria: ACMG Guidelines, 2015. Collection method: clinical testing. Allele origin: germline. Affected: yes. Observed: 8 variant alleles.
Comment: Heterozygous deletion of exon 3